The following is an entry in ClinVar:

ClinVar aggregate classification (germline): Uncertain significance. Review status: criteria provided, multiple submitters, no conflicts (2 of 4 stars). 2 submissions from 2 submitters: Uncertain significance (2). Last evaluated 2025-09-04.

Conditions:
Hereditary cancer-predisposing syndrome. Also called: Neoplastic Syndromes, Hereditary; Tumor predisposition; Hereditary neoplastic syndrome; Hereditary Cancer Syndrome. Identifiers: Orphanet 140162, MedGen C0027672, MeSH D009386, MONDO:0015356.

Allele frequency attached by ClinVar (database versions not stated): gnomAD exomes below 0.00001.
gnomAD v4.1: 2 of 1,614,090 alleles (0.00012%); highest among the groups gnomAD compares: Non-Finnish European, 0.00017%; no homozygotes.

Submissions (2):

Ambry Genetics
Classification: Uncertain significance for Hereditary cancer-predisposing syndrome. Last evaluated: 2025-09-04. Review status: criteria provided, single submitter. Criteria: Ambry Variant Classification Scheme 2023. Collection method: clinical testing. Allele origin: germline.
Comment: The p.T1307I variant (also known as c.3920C>T), located in coding exon 19 of the MET gene, results from a C to T substitution at nucleotide position 3920. The threonine at codon 1307 is replaced by isoleucine, an amino acid with similar properties. This amino acid position is not well conserved in available vertebrate species. In addition, the in silico prediction for this alteration is inconclusive. Since supporting evidence is limited at this time, the clinical significance of this alteration remains unclear.

GeneDx
Classification: Uncertain significance. Last evaluated: 2024-06-09. Review status: criteria provided, single submitter. Criteria: GeneDx Variant Classification Process June 2021. Collection method: clinical testing. Allele origin: germline. Affected: yes.
Comment: Not observed at significant frequency in large population cohorts (gnomAD); In silico analysis indicates that this missense variant does not alter protein structure/function; Has not been previously published as pathogenic or benign to our knowledge

NM_000245.4(MET):c.3866C>T (p.Thr1289Ile)

Gene: MET (MET proto-oncogene, receptor tyrosine kinase; plus strand). Cytogenetic location: 7q31.2.
Variant type: single nucleotide variant.
Coding change: c.3866C>T on transcript NM_000245.4 (MANE Select); coding-DNA position 3866, C replaced by T.
Protein change: p.Thr1289Ile; replaces threonine 1289 with isoleucine.
Molecular consequence: missense variant.
Genome position (GRCh38, 1-based): chr7:116,795,722, C>T. VCF-style: chr7-116795722-C-T. GRCh37 (hg19) VCF-style: chr7-116435776-C-T.
Other names: c.3920C>T, p.Thr1307Ile (NM_001127500.3); c.2576C>T, p.Thr859Ile (NM_001324402.2); short protein forms T859I, T1289I, T1307I.
Identifiers: ClinVar variation 824384 (VCV000824384.6), dbSNP rs1584977952, ClinGen allele CA369117869.
Genomic context (GRCh38, chr7:116,795,722, plus strand): 5'-TTGGCGTGCTCCTCTGGGAGCTGATGACAAGAGGAGCCCCACCTTATCCTGACGTAAACA[C>T]CTTTGATATAACTGTTTACTTGTTGCAAGGGAGAAGACTCCTACAACCCGAATACTGCCC-3'
Protein context (NP_000236.2, residues 1279-1299): RGAPPYPDVN[Thr1289Ile]FDITVYLLQG